The following is an entry in ClinVar:

NC_000007.13:g.(?_151664332)_(151842400_?)dup

Genes: GALNT11 (polypeptide N-acetylgalactosaminyltransferase 11; plus strand), GALNTL5 (polypeptide N-acetylgalactosaminyltransferase like 5; plus strand), KMT2C (lysine methyltransferase 2C; minus strand). Cytogenetic location: 7q36.1.
Variant type: Duplication.
Identifiers: ClinVar variation 2427456 (VCV002427456.4).

ClinVar aggregate classification (germline): Uncertain significance (1 of 4 stars; one submission).

Submission:

Labcorp Genetics (formerly Invitae), Labcorp
Classification: Uncertain significance. Last evaluated: 2021-12-01. Review status: criteria provided, single submitter. Criteria: Invitae Variant Classification Sherloc (09022015). Collection method: clinical testing. Allele origin: germline.
Comment: In summary, the available evidence is currently insufficient to determine the role of this variant in disease. Therefore, it has been classified as a Variant of Uncertain Significance. This variant has not been reported in the literature in individuals affected with KMT2C-related conditions. This variant results in a copy number gain of the genomic region encompassing exon(s) 54-59 of the KMT2C gene. This region includes the termination codon of the gene. This copy number gain extends beyond the assayed region for this gene and therefore may encompass additional genes. As the precise location of this event is unknown, it may be in tandem or it may be located elsewhere in the genome.